The following is an entry in ClinVar:

NM_004168.4(SDHA):c.487A>G (p.Thr163Ala)

Gene: SDHA (succinate dehydrogenase complex flavoprotein subunit A; plus strand). Cytogenetic location: 5p15.33.
Variant type: single nucleotide variant.
Coding change: c.487A>G on transcript NM_004168.4 (MANE Select); coding-DNA position 487, A replaced by G.
Protein change: p.Thr163Ala; replaces threonine 163 with alanine.
Molecular consequence: missense variant.
Genome position (GRCh38, 1-based): chr5:225,913, A>G. VCF-style: chr5-225913-A-G. GRCh37 (hg19) VCF-style: chr5-226028-A-G.
Other names: c.343A>G, p.Thr115Ala (NM_001294332.2); c.487A>G, p.Thr163Ala (NM_001330758.2); short protein forms T115A, T163A.
Identifiers: ClinVar variation 2452805 (VCV002452805.4), dbSNP rs2477299218, ClinGen allele CA359009975.

ClinVar aggregate classification (germline): Uncertain significance. Review status: criteria provided, multiple submitters, no conflicts (2 of 4 stars). 2 submissions from 2 submitters: Uncertain significance (2). Last evaluated 2025-03-09.

Conditions:
Mitochondrial complex II deficiency, nuclear type 1. Also called: SUCCINATE CoQ REDUCTASE DEFICIENCY. Identifiers: Orphanet 3208, MedGen C5700310, MONDO:0100294, OMIM 252011.
Pheochromocytoma/paraganglioma syndrome 5. Also called: Paragangliomas 5; SDHA-Related Hereditary Paraganglioma-Pheochromocytoma Syndrome. Identifiers: Orphanet 29072, MedGen C3279992, MONDO:0013602, OMIM 614165.
Hereditary cancer-predisposing syndrome. Also called: Neoplastic Syndromes, Hereditary; Tumor predisposition; Hereditary Cancer Syndrome; Hereditary neoplastic syndrome. Identifiers: Orphanet 140162, MedGen C0027672, MeSH D009386, MONDO:0015356.

Submissions (2):

Labcorp Genetics (formerly Invitae), Labcorp
Classification: Uncertain significance for Pheochromocytoma/paraganglioma syndrome 5; Mitochondrial complex II deficiency, nuclear type 1. Last evaluated: 2025-03-09. Review status: criteria provided, single submitter. Criteria: Invitae Variant Classification Sherloc (09022015). Collection method: clinical testing. Allele origin: germline.
Comment: This sequence change replaces threonine, which is neutral and polar, with alanine, which is neutral and non-polar, at codon 163 of the SDHA protein (p.Thr163Ala). This variant is not present in population databases (gnomAD no frequency). This variant has not been reported in the literature in individuals affected with SDHA-related conditions. ClinVar contains an entry for this variant (Variation ID: 2452805). Invitae Evidence Modeling of protein sequence and biophysical properties (such as structural, functional, and spatial information, amino acid conservation, physicochemical variation, residue mobility, and thermodynamic stability) indicates that this missense variant is not expected to disrupt SDHA protein function with a negative predictive value of 95%. In summary, the available evidence is currently insufficient to determine the role of this variant in disease. Therefore, it has been classified as a Variant of Uncertain Significance.

Ambry Genetics
Classification: Uncertain significance for Hereditary cancer-predisposing syndrome. Last evaluated: 2025-02-10. Review status: criteria provided, single submitter. Criteria: Ambry Variant Classification Scheme 2023. Collection method: clinical testing. Allele origin: germline.
Comment: The p.T163A variant (also known as c.487A>G), located in coding exon 5 of the SDHA gene, results from an A to G substitution at nucleotide position 487. The threonine at codon 163 is replaced by alanine, an amino acid with similar properties. This amino acid position is highly conserved in available vertebrate species. In addition, the in silico prediction for this alteration is inconclusive. Based on the available evidence, the clinical significance of this variant remains unclear.